The following is an entry in ClinVar:

ClinVar aggregate classification (germline): Uncertain significance. Review status: criteria provided, multiple submitters, no conflicts (2 of 4 stars). 3 submissions from 3 submitters: Uncertain significance (3). Last evaluated 2025-12-02.

Conditions:
Intellectual disability-hypotonic facies syndrome, X-linked, 1 (MRXHF1). Also called: CHUDLEY-LOWRY SYNDROME; Chudley syndrome 1; Chudley-Lowry-Hoar syndrome; Carpenter-Waziri syndrome; XLMR-HYPOTONIC FACIES SYNDROME; HOLMES-GANG SYNDROME. Identifiers: Orphanet 73220, Orphanet 93970, Orphanet 93971, Orphanet 93972, Orphanet 93973, Orphanet 93974, Orphanet 93975, MedGen C4759781, MONDO:0010663, OMIM 309580.
Alpha thalassemia-X-linked intellectual disability syndrome (ATRX). Also called: ALPHA-THALASSEMIA/IMPAIRED INTELLECTUAL DEVELOPMENT SYNDROME, X-LINKED; ATR-X syndrome; Alpha thalassemia mental retardation syndrome, nondeletion type, X-linked; XLMR hypotonic face syndrome; ALPHA-THALASSEMIA/MENTAL RETARDATION SYNDROME, X-LINKED; ATR, NONDELETION TYPE. Identifiers: Orphanet 847, MedGen C1845055, MONDO:0010519, OMIM 301040.

gnomAD v4.1: 6 of 1,209,892 alleles (0.0005%); highest among the groups gnomAD compares: Non-Finnish European, 0.00067%; no homozygotes.

Submissions (3):

Labcorp Genetics (formerly Invitae), Labcorp
Classification: Uncertain significance for Alpha thalassemia-X-linked intellectual disability syndrome. Last evaluated: 2025-12-02. Review status: criteria provided, single submitter. Criteria: Invitae Variant Classification Sherloc (09022015). Collection method: clinical testing. Allele origin: germline.
Comment: This sequence change replaces threonine, which is neutral and polar, with arginine, which is basic and polar, at codon 441 of the ATRX protein (p.Thr441Arg). This variant is not present in population databases (gnomAD no frequency). This variant has not been reported in the literature in individuals affected with ATRX-related conditions. ClinVar contains an entry for this variant (Variation ID: 1319036). Invitae Evidence Modeling of protein sequence and biophysical properties (such as structural, functional, and spatial information, amino acid conservation, physicochemical variation, residue mobility, and thermodynamic stability) indicates that this missense variant is not expected to disrupt ATRX protein function with a negative predictive value of 95%. In summary, the available evidence is currently insufficient to determine the role of this variant in disease. Therefore, it has been classified as a Variant of Uncertain Significance.

HudsonAlpha Institute for Biotechnology
Classification: Uncertain significance for Intellectual disability-hypotonic facies syndrome, X-linked, 1. Last evaluated: 2022-02-10. Review status: criteria provided, single submitter. Criteria: ACMG Guidelines, 2015. Collection method: research. Allele origin: unknown. Observed: 1 variant allele. Study: HudsonAlpha-AGHI-WGS.
Comment: ACMG codes: PM2

GeneDx
Classification: Uncertain significance. Last evaluated: 2019-05-06. Review status: criteria provided, single submitter. Criteria: GeneDx Variant Classification Process June 2021. Collection method: clinical testing. Allele origin: germline. Affected: yes.
Comment: Not observed in large population cohorts (Lek et al., 2016); In silico analysis, which includes protein predictors and evolutionary conservation, supports that this variant does not alter protein structure/function; Has not been previously published as pathogenic or benign to our knowledge

NM_000489.6(ATRX):c.1322C>G (p.Thr441Arg)

Gene: ATRX (ATRX chromatin remodeler; minus strand). Cytogenetic location: Xq21.1.
Variant type: single nucleotide variant.
Coding change: c.1322C>G on transcript NM_000489.6 (MANE Select); coding-DNA position 1322, C replaced by G.
Protein change: p.Thr441Arg; replaces threonine 441 with arginine.
Molecular consequence: missense variant.
Genome position (GRCh38, 1-based): chrX:77,683,934, G>C on the plus strand (C>G on the coding strand, the complement: ATRX is on the minus strand). VCF-style: chrX-77683934-G-C. GRCh37 (hg19) VCF-style: chrX-76939426-G-C.
Other names: c.1208C>G, p.Thr403Arg (NM_138270.5); short protein forms T403R, T441R.
Identifiers: ClinVar variation 1319036 (VCV001319036.4), dbSNP rs2148625660, ClinGen allele CA413718524.
Genomic context (GRCh38, chrX:77,683,934, plus strand): 5'-TCTGACTTTGAAATATCCTTCTTTTCCAAAGCACAAGGTTTTTCTCCTTTTCGTGCTTTT[G>C]TTTCAAACTTAGCATCTATGACTTTATGCTCTTTGGTATTTTTCTCTTTGTTTACAGCAT-3'
Protein context (NP_000480.3, residues 431-451): EHKVIDAKFE[Thr441Arg]KARKGEKPCA